The following is an entry in ClinVar:

ClinVar aggregate classification (germline): Conflicting classifications of pathogenicity. Review status: criteria provided, conflicting classifications (1 of 4 stars). 2 submissions from 2 submitters: Uncertain significance (1); Likely benign (1). Last evaluated 2026-08-31.

Conditions:
Neuroblastoma, susceptibility to, 3. Also called: ALK-Related Neuroblastic Tumor Susceptibility. Identifiers: Orphanet 635, MedGen C2751681, MONDO:0013083, OMIM 613014.
Hereditary cancer-predisposing syndrome. Also called: Hereditary Cancer Syndrome; Hereditary neoplastic syndrome; Neoplastic Syndromes, Hereditary; Tumor predisposition. Identifiers: Orphanet 140162, MedGen C0027672, MeSH D009386, MONDO:0015356.

Submissions (2):

Ambry Genetics
Classification: Likely benign for Hereditary cancer-predisposing syndrome. Last evaluated: 2026-08-31. Review status: criteria provided, single submitter. Criteria: Ambry Variant Classification Scheme 2023. Collection method: clinical testing. Allele origin: germline.

Labcorp Genetics (formerly Invitae), Labcorp
Classification: Uncertain significance for Neuroblastoma, susceptibility to, 3. Last evaluated: 2023-08-28. Review status: criteria provided, single submitter. Criteria: Invitae Variant Classification Sherloc (09022015). Collection method: clinical testing. Allele origin: germline.
Comment: In summary, the available evidence is currently insufficient to determine the role of this variant in disease. Therefore, it has been classified as a Variant of Uncertain Significance. An algorithm developed to predict the effect of missense changes on protein structure and function (PolyPhen-2) suggests that this variant is likely to be disruptive. This variant has not been reported in the literature in individuals affected with ALK-related conditions. This variant is not present in population databases (gnomAD no frequency). This sequence change replaces serine, which is neutral and polar, with threonine, which is neutral and polar, at codon 785 of the ALK protein (p.Ser785Thr).

NM_004304.5(ALK):c.2354G>C (p.Ser785Thr)

Gene: ALK (ALK receptor tyrosine kinase; minus strand). Cytogenetic location: 2p23.2.
Variant type: single nucleotide variant.
Coding change: c.2354G>C on transcript NM_004304.5 (MANE Select); coding-DNA position 2354, G replaced by C.
Protein change: p.Ser785Thr; replaces serine 785 with threonine.
Molecular consequence: missense variant.
Genome position (GRCh38, 1-based): chr2:29,239,681, C>G on the plus strand (G>C on the coding strand, the complement: ALK is on the minus strand). VCF-style: chr2-29239681-C-G. GRCh37 (hg19) VCF-style: chr2-29462547-C-G.
Other names: c.2354G>C (NM_004304.4); short protein forms S785T.
Identifiers: ClinVar variation 2755822 (VCV002755822.4), dbSNP rs1441640593, ClinGen allele CA346474163.